The following is an entry in ClinVar:

NM_000052.7(ATP7A):c.3290A>G (p.Lys1097Arg)

Gene: ATP7A (ATPase copper transporting alpha; plus strand). Cytogenetic location: Xq21.1.
Variant type: single nucleotide variant.
Coding change: c.3290A>G on transcript NM_000052.7 (MANE Select); coding-DNA position 3290, A replaced by G.
Protein change: p.Lys1097Arg; replaces lysine 1097 with arginine.
Molecular consequence: missense variant. On other transcripts: non-coding transcript variant (1).
Genome position (GRCh38, 1-based): chrX:78,031,578, A>G. VCF-style: chrX-78031578-A-G. GRCh37 (hg19) VCF-style: chrX-77287076-A-G.
Other names: c.3056A>G, p.Lys1019Arg (NM_001282224.2); short protein forms K1019R, K1097R.
Identifiers: ClinVar variation 2418066 (VCV002418066.7), dbSNP rs2522397517, ClinGen allele CA413603817.

ClinVar aggregate classification (germline): Uncertain significance (1 of 4 stars; one submission).

Conditions:
X-linked distal spinal muscular atrophy type 3. Also called: NEURONOPATHY, DISTAL HEREDITARY MOTOR, X-LINKED; NEUROPATHY, DISTAL HEREDITARY MOTOR, X-LINKED; ATP7A-Related Distal Motor Neuropathy; SPINAL MUSCULAR ATROPHY, DISTAL, X-LINKED RECESSIVE. Identifiers: Orphanet 139557, MedGen C1845359, MONDO:0010338, OMIM 300489.
Menkes kinky-hair syndrome (MNK). Also called: Classic Menkes Disease; Copper transport disease; Menkes Disease. Identifiers: Orphanet 565, MedGen C0022716, MONDO:0010651, OMIM 309400.
Cutis laxa, X-linked (OHS). Also called: EDS IX; Occipital horn syndrome. Identifiers: Orphanet 198, MedGen C0268353, MONDO:0010572, OMIM 304150.

Submission:

Labcorp Genetics (formerly Invitae), Labcorp
Classification: Uncertain significance for X-linked distal spinal muscular atrophy type 3; Cutis laxa, X-linked; Menkes kinky-hair syndrome. Last evaluated: 2022-03-21. Review status: criteria provided, single submitter. Criteria: Invitae Variant Classification Sherloc (09022015). Collection method: clinical testing. Allele origin: germline.
Comment: This variant is not present in population databases (gnomAD no frequency). This variant has not been reported in the literature in individuals affected with ATP7A-related conditions. Advanced modeling of protein sequence and biophysical properties (such as structural, functional, and spatial information, amino acid conservation, physicochemical variation, residue mobility, and thermodynamic stability) performed at Invitae indicates that this missense variant is not expected to disrupt ATP7A protein function. Algorithms developed to predict the effect of sequence changes on RNA splicing suggest that this variant may create or strengthen a splice site. In summary, the available evidence is currently insufficient to determine the role of this variant in disease. Therefore, it has been classified as a Variant of Uncertain Significance. This sequence change replaces lysine, which is basic and polar, with arginine, which is basic and polar, at codon 1097 of the ATP7A protein (p.Lys1097Arg).